The following is an entry in ClinVar:

ClinVar aggregate classification (germline): Uncertain significance (1 of 4 stars; one submission).

Conditions:
Hereditary cancer-predisposing syndrome. Also called: Tumor predisposition; Neoplastic Syndromes, Hereditary; Hereditary neoplastic syndrome; Hereditary Cancer Syndrome. Identifiers: Orphanet 140162, MedGen C0027672, MeSH D009386, MONDO:0015356.

Submission:

Ambry Genetics
Classification: Uncertain significance for Hereditary cancer-predisposing syndrome. Last evaluated: 2025-08-27. Review status: criteria provided, single submitter. Criteria: Ambry Variant Classification Scheme 2023. Collection method: clinical testing. Allele origin: germline.
Comment: The p.T488N variant (also known as c.1463C>A), located in coding exon 14 of the MUTYH gene, results from a C to A substitution at nucleotide position 1463. The threonine at codon 488 is replaced by asparagine, an amino acid with similar properties. This amino acid position is conserved. In addition, the in silico prediction for this alteration is inconclusive. Based on the available evidence, the clinical significance of this variant remains unclear.

NM_001048174.2(MUTYH):c.1379C>A (p.Thr460Asn)

Gene: MUTYH (mutY DNA glycosylase; minus strand). Cytogenetic location: 1p34.1.
Variant type: single nucleotide variant.
Coding change: c.1379C>A on transcript NM_001048174.2 (MANE Select); coding-DNA position 1379, C replaced by A.
Protein change: p.Thr460Asn; replaces threonine 460 with asparagine.
Molecular consequence: missense variant. On other transcripts: non-coding transcript variant (7).
Genome position (GRCh38, 1-based): chr1:45,331,195, G>T on the plus strand (C>A on the coding strand, the complement: MUTYH is on the minus strand). VCF-style: chr1-45331195-G-T. GRCh37 (hg19) VCF-style: chr1-45796867-G-T.
Other names: c.1379C>A, p.Thr460Asn (NM_001048171.2, NM_001048173.2, NM_001293195.2 and 6 more transcripts); c.1382C>A, p.Thr461Asn (NM_001048172.2, NM_001407086.1, NM_001407071.1 and 1 more transcripts); c.1463C>A, p.Thr488Asn (NM_001128425.2); c.1424C>A, p.Thr475Asn (NM_001293190.2); c.1412C>A, p.Thr471Asn (NM_001293191.2, NM_001407069.1, NM_001407077.1); c.1103C>A, p.Thr368Asn (NM_001293192.2, NM_001293196.2, NM_001407091.1); c.1034C>A, p.Thr345Asn (NM_001350650.2, NM_001350651.2, NM_001407082.1); c.1421C>A, p.Thr474Asn (NM_001407083.1, NM_001407085.1); and 5 more; short protein forms T446N, T471N, T368N, T460N, T474N, T485N, T345N, T432N.
Identifiers: ClinVar variation 4113266 (VCV004113266.1).